The following is an entry in ClinVar:

ClinVar aggregate classification (germline): Likely pathogenic (3 of 4 stars; one submission).

Conditions:
Mitochondrial disease. Also called: Mitochondrial disorder; Mitochondrial disorders. Identifiers: Orphanet 68380, MedGen C0751651, MeSH D028361, MONDO:0044970.

Submission:

ClinGen Mitochondrial Disease Nuclear and Mitochondrial  Variant Curation Expert Panel, ClinGen
Classification: Likely pathogenic for Mitochondrial disease. Last evaluated: 2023-01-09. Review status: reviewed by expert panel. Criteria: McCormick et al. (Hum Mutat. 2020). Collection method: curation. Allele origin: germline. Inheritance: Mitochondrial inheritance.
Comment: The m.5690A>G variant in MT-TN has been reported in two unrelated individuals with primary mitochondrial disease (PS4_supporting). This individual had the variant present at 47% in muscle and no mitochondrial DNA single large scale deletions were identified. Testing in family members was not reported or not assessed for these two individuals, therefore it is unclear if the variant arose de novo or was present at lower levels in healthy family members. This variant is absent in the GenBank dataset, Helix dataset, and gnomAD v3.1.2 (PM2_supporting). The computational predictor MitoTIP suggests this variant is pathogenic (75.1 percentile) and HmtVAR predicts it to be pathogenic score of 0.75 (PP3). Single fiber testing showed higher levels of the variant in COX-deficient fibers (86.8 ± 18.3%) than in COX-positive fibers (27.9 ± 31.3%, p<0.0001, PMID: 23696415; PS3_supporting). In summary, this variant meets criteria to be classified as uncertain significance however, after extensive discussion, this Expert Panel elected to modify the classification to likely pathogenic given similar features were seen in the two reported individuals with this variant and the strong single fiber study that was performed. This classification was approved by the NICHD/NINDS U24 ClinGen Mitochondrial Disease Variant Curation Expert Panel on January 9, 2023. Mitochondrial DNA-specific ACMG/AMP criteria applied (PMID: 32906214): PS4_supporting, PM2_supporting, PP3, PS3_supporting.

Literature cited by the submitters: PubMed 23696415.

NC_012920.1(MT-TN):m.5690A>G

Gene: MT-TN (mitochondrially encoded tRNA asparagine; minus strand).
Variant type: single nucleotide variant.
Genome position: chrM-5690-A-G.
Identifiers: ClinVar variation 986477 (VCV000986477.1), dbSNP rs2521956863, ClinGen allele CA913180249.